The following is an entry in ClinVar:

ClinVar aggregate classification (germline): Uncertain significance (1 of 4 stars; one submission).

Allele frequency attached by ClinVar (database versions not stated): TOPMed below 0.00001; gnomAD 0.00001.
gnomAD v4.1: 2 of 1,613,002 alleles (0.00012%); highest among the groups gnomAD compares: Non-Finnish European, 0.00017%; no homozygotes.

Submission:

GeneDx
Classification: Uncertain significance. Last evaluated: 2016-12-06. Review status: criteria provided, single submitter. Criteria: GeneDx Variant Classification (06012015). Collection method: clinical testing. Allele origin: germline. Affected: yes.
Comment: The L280I variant in the HEXB gene has not been reported previously as a pathogenic variant, nor as a benign variant, to our knowledge. The L280I variant was not observed in approximately 6500 individuals of European and African American ancestry in the NHLBI Exome Sequencing Project, indicating it is not a common benign variant in these populations. The L280I variant is a conservative amino acid substitution, which is not likely to impact secondary protein structure as these residues share similar properties. This substitution occurs at a position where amino acids with similar properties to Leucine are tolerated across species. In silico analysis is inconsistent in its predictions as to whether or not the variant is damaging to the protein structure/function. We interpret L280I as a variant of uncertain significance.

NM_000521.4(HEXB):c.838T>A (p.Leu280Ile)

Gene: HEXB (hexosaminidase subunit beta; plus strand). Cytogenetic location: 5q13.3.
Variant type: single nucleotide variant.
Coding change: c.838T>A on transcript NM_000521.4 (MANE Select); coding-DNA position 838, T replaced by A.
Protein change: p.Leu280Ile; replaces leucine 280 with isoleucine.
Molecular consequence: missense variant.
Genome position (GRCh38, 1-based): chr5:74,713,572, T>A. VCF-style: chr5-74713572-T-A. GRCh37 (hg19) VCF-style: chr5-74009397-T-A.
Other names: c.163T>A, p.Leu55Ile (NM_001292004.2); short protein forms L280I, L55I.
Identifiers: ClinVar variation 373460 (VCV000373460.1), dbSNP rs1057518432, ClinGen allele CA16042609.